The following is an entry in ClinVar:

ClinVar aggregate classification (germline): Likely benign. Review status: criteria provided, multiple submitters, no conflicts (2 of 4 stars). 2 submissions from 2 submitters: Likely benign (2). Last evaluated 2018-01-13.

Conditions:
Autosomal recessive congenital ichthyosis 6 (ARCI6). Identifiers: Orphanet 313, Orphanet 79394, MedGen C2677065, MONDO:0012847, OMIM 612281.

Allele frequency attached by ClinVar (database versions not stated): 1000 Genomes Project 0.00180; 1000 Genomes Project 30x 0.00219; TOPMed 0.00293; ExAC 0.00320; gnomAD exomes 0.00331 and 0.00487; gnomAD 0.00344 and 0.00347; ESP Exome Variant Server 0.00352.
gnomAD v4.1: 7,032 of 1,490,824 alleles (0.47%); highest among the groups gnomAD compares: Non-Finnish European, 0.54%; 20 homozygotes.

Submissions (2):

Illumina Laboratory Services, Illumina
Classification: Likely benign for Autosomal recessive congenital ichthyosis 6. Last evaluated: 2018-01-13. Review status: criteria provided, single submitter. Criteria: ICSL Variant Classification Criteria 13 December 2019. Collection method: clinical testing. Allele origin: germline.
Comment: This variant was observed in the ICSL laboratory as part of a predisposition screen in an ostensibly healthy population. It had not been previously curated by ICSL or reported in the Human Gene Mutation Database (HGMD: prior to June 1st, 2018), and was therefore a candidate for classification through an automated scoring system. Utilizing variant allele frequency, disease prevalence and penetrance estimates, and inheritance mode, an automated score was calculated to assess if this variant is too frequent to cause the disease. Based on the score and internal cut-off values, a variant classified as likely benign is not then subjected to further curation. The score for this variant resulted in a classification of likely benign for this disease.

Breakthrough Genomics
Classification: Likely benign. Review status: criteria provided, single submitter. Criteria: ACMG Guidelines, 2015. Collection method: not provided. Allele origin: germline. Inheritance: Autosomal recessive inheritance. Affected: yes.

NM_001099287.2(NIPAL4):c.*32C>T

Gene: NIPAL4 (NIPA like domain containing 4; plus strand). Cytogenetic location: 5q33.3.
Variant type: single nucleotide variant.
Coding change: c.*32C>T on transcript NM_001099287.2 (MANE Select); 32 bases downstream of the stop codon, C replaced by T.
Molecular consequence: 3 prime UTR variant.
Genome position (GRCh38, 1-based): chr5:157,472,992, C>T. VCF-style: chr5-157472992-C-T. GRCh37 (hg19) VCF-style: chr5-156900000-C-T.
Other names: c.*32C>T (NM_001172292.2).
Identifiers: ClinVar variation 352525 (VCV000352525.6), dbSNP rs62388499, ClinGen allele CA3534814.
Genomic context (GRCh38, chr5:157,472,992, plus strand): 5'-AACCCAAAGTATTTATAATCCATTCCTGAAGCTTGGAATATGTGAGTGAGAGGATGAGTC[C>T]GATGGTACAGCCTGCCCTCCCAATTTCAAAACCACCTGGTTATTTTCCAGTGCAACTGTT-3'